The following is an entry in ClinVar:

NM_001018005.2(TPM1):c.538G>C (p.Glu180Gln)

Gene: TPM1 (tropomyosin 1; plus strand). Cytogenetic location: 15q22.2.
Variant type: single nucleotide variant.
Coding change: c.538G>C on transcript NM_001018005.2 (MANE Select); coding-DNA position 538, G replaced by C.
Protein change: p.Glu180Gln; replaces glutamic acid 180 with glutamine.
Molecular consequence: missense variant.
Genome position (GRCh38, 1-based): chr15:63,060,914, G>C. VCF-style: chr15-63060914-G-C. GRCh37 (hg19) VCF-style: chr15-63353113-G-C.
Other names: c.538G>C, p.Glu180Gln (NM_000366.6, NM_001018004.2, NM_001018006.2 and 6 more transcripts); c.430G>C, p.Glu144Gln (NM_001018008.2, NM_001301289.2, NM_001330344.2 and 5 more transcripts); c.664G>C, p.Glu222Gln (NM_001365778.1); short protein forms E180Q, E144Q, E222Q.
Identifiers: ClinVar variation 524997 (VCV000524997.8), dbSNP rs1555409132, ClinGen allele CA392723228.

ClinVar aggregate classification (germline): Uncertain significance (1 of 4 stars; one submission).

Conditions:
Hypertrophic cardiomyopathy. Also called: HYPERTROPHIC MYOCARDIOPATHY. Identifiers: Orphanet 217569, MedGen C0007194, MeSH D002312, MONDO:0005045, HP:0001639.

Submission:

Labcorp Genetics (formerly Invitae), Labcorp
Classification: Uncertain significance for Hypertrophic cardiomyopathy. Last evaluated: 2017-11-10. Review status: criteria provided, single submitter. Criteria: Invitae Variant Classification Sherloc (09022015). Collection method: clinical testing. Allele origin: germline.
Comment: A computational algorithm designed to assess the pathogenicity of variants in TPM1 with regard to hypertrophic cardiomyopathy predicted this sequence change to be deleterious. The algorithm has a sensitivity of 94% and a specificity of 89% (PMID: 21310275). A different missense substitution at this codon (p.Glu180Gly) has been determined to be pathogenic (PMID: 8205619, 22789852, 11603924, 21840315, 12169652, 22187526). This suggests that the glutamic acid residue is critical for TPM1 protein function and that other missense substitutions at this position may also be pathogenic. In summary, the available evidence is currently insufficient to determine the role of this variant in disease. Therefore, it has been classified as a Variant of Uncertain Significance. This sequence change replaces glutamic acid with glutamine at codon 180 of the TPM1 protein (p.Glu180Gln). The glutamic acid residue is highly conserved and there is a small physicochemical difference between glutamic acid and glutamine. This variant is not present in population databases (ExAC no frequency).

Literature cited by the submitters: PubMed 21310275; PubMed 8205619; PubMed 22789852; PubMed 11603924; PubMed 21840315; PubMed 12169652; PubMed 22187526.